The following is an entry in ClinVar:

ClinVar aggregate classification (germline): Benign (1 of 4 stars; one submission).

Conditions:
Tuberous sclerosis 2 (TSC2). Identifiers: Orphanet 805, MedGen C1860707, MONDO:0013199, OMIM 613254.

Submission:

Myriad Genetics, Inc.
Classification: Benign for Tuberous sclerosis 2. Last evaluated: 2025-05-30. Review status: criteria provided, single submitter. Criteria: Myriad Autosomal Dominant, Autosomal Recessive and X-Linked Classification Criteria (2023). Collection method: clinical testing. Allele origin: unknown.
Comment: This variant is considered benign. This variant is a silent/synonymous amino acid change and it is not expected to impact splicing.

NM_000548.5(TSC2):c.3648C>A (p.Leu1216=)

Gene: TSC2 (TSC complex subunit 2; plus strand). Cytogenetic location: 16p13.3.
Variant type: single nucleotide variant.
Coding change: c.3648C>A on transcript NM_000548.5 (MANE Select); coding-DNA position 3648, C replaced by A.
Protein change: p.Leu1216=; no amino-acid change (leucine 1216 retained).
Molecular consequence: synonymous variant. On other transcripts: non-coding transcript variant (5).
Genome position (GRCh38, 1-based): chr16:2,081,632, C>A. VCF-style: chr16-2081632-C-A. GRCh37 (hg19) VCF-style: chr16-2131633-C-A.
Other names: c.3516C>A, p.Leu1172= (NM_001077183.3, NM_001370404.1, NM_001406665.1); c.3648C>A, p.Leu1216= (NM_001114382.3); c.3408C>A, p.Leu1136= (NM_001318827.2); c.3372C>A, p.Leu1124= (NM_001318829.2); c.2916C>A, p.Leu972= (NM_001318831.2, NM_001406687.1, NM_001406688.1); c.3549C>A, p.Leu1183= (NM_001318832.2); c.3519C>A, p.Leu1173= (NM_001363528.2, NM_001370405.1, NM_021055.3); c.3645C>A, p.Leu1215= (NM_001406663.1, NM_001406664.1); and 18 more.
Identifiers: ClinVar variation 4071141 (VCV004071141.1).